The following is an entry in ClinVar:

ClinVar aggregate classification (germline): Uncertain significance (1 of 4 stars; one submission).

Conditions:
Hereditary spastic paraplegia 28. Also called: Spastic paraplegia 28, autosomal recessive. Identifiers: Orphanet 101008, MedGen C1836295, MONDO:0012256, OMIM 609340.

Allele frequency attached by ClinVar (database versions not stated): TOPMed below 0.00001; gnomAD exomes 0.00001.
gnomAD v4.1: 5 of 1,604,692 alleles (0.00031%); highest among the groups gnomAD compares: Admixed American, 0.0017%; no homozygotes.

Submission:

Victorian Clinical Genetics Services, Murdoch Childrens Research Institute
Classification: Uncertain significance for Hereditary spastic paraplegia 28. Last evaluated: 2022-02-02. Review status: criteria provided, single submitter. Criteria: ACMG Guidelines, 2015. Collection method: clinical testing. Allele origin: germline. Inheritance: Autosomal recessive inheritance. Affected: yes.
Comment: Based on the classification scheme VCGS_Germline_v1.3.4, this variant is classified as VUS-3B. Following criteria are met: 0102 - Loss of function is a known mechanism of disease in this gene and is associated with spastic paraplegia 28 (MIM#609340) . (I) 0106 - This gene is associated with autosomal recessive disease. (I) 0200 - Variant is predicted to result in a missense amino acid change from arginine to glutamine. (I) 0252 - This variant is homozygous. (I) 0301 - Variant is absent from gnomAD (both v2 and v3). (SP) 0502 - Missense variant with conflicting in silico predictions and uninformative conservation. (I) 0604 - Variant is not located in an established domain, motif, hotspot or informative constraint region. (I) 0705 - No comparable missense variants have previous evidence for pathogenicity. (I) 0807 - This variant has no previous evidence of pathogenicity. (I) 0905 - No published segregation evidence has been identified for this variant. (I) 1007 - No published functional evidence has been identified for this variant. (I) 1208 - Inheritance information for this variant is not currently available in this individual. (I) Legend: (SP) - Supporting pathogenic, (I) - Information, (SB) - Supporting benign

NM_001160148.2(DDHD1):c.1373G>A (p.Arg458Gln)

Gene: DDHD1 (DDHD domain containing 1; minus strand). Cytogenetic location: 14q22.1.
Variant type: single nucleotide variant.
Coding change: c.1373G>A on transcript NM_001160148.2 (MANE Select); coding-DNA position 1373, G replaced by A.
Protein change: p.Arg458Gln; replaces arginine 458 with glutamine.
Molecular consequence: missense variant.
Genome position (GRCh38, 1-based): chr14:53,073,764, C>T on the plus strand (G>A on the coding strand, the complement: DDHD1 is on the minus strand). VCF-style: chr14-53073764-C-T. GRCh37 (hg19) VCF-style: chr14-53540482-C-T.
Other names: c.1394G>A, p.Arg465Gln (NM_001160147.2); c.1373G>A, p.Arg458Gln (NM_030637.3); short protein forms R458Q, R465Q.
Identifiers: ClinVar variation 1698989 (VCV001698989.3), dbSNP rs1884724474, ClinGen allele CA389764663.